The following is an entry in ClinVar:

ClinVar aggregate classification (germline): Pathogenic (1 of 4 stars; one submission).

Conditions:
Pseudo-Hurler polydystrophy. Also called: ML III; ML III ALPHA/BETA; MUCOLIPIDOSIS IIIA; Type III Mucolipidosis; ML IIIA; Mucolipidosis III Alpha/Beta. Identifiers: Orphanet 423461, Orphanet 577, MedGen C0033788, MONDO:0018931, OMIM 252600.
Mucolipidosis type II. Also called: ML II ALPHA/BETA; Mucolipidosis 2; ML 2; Inclusion cell disease; Leroy Disease; N-acetylglucosamine 1phosphotransferase deficiency. Identifiers: Orphanet 576, MedGen C2673377, MONDO:0009650, OMIM 252500.

Submission:

Labcorp Genetics (formerly Invitae), Labcorp
Classification: Pathogenic for Pseudo-Hurler polydystrophy; Mucolipidosis type II. Last evaluated: 2021-03-24. Review status: criteria provided, single submitter. Criteria: Invitae Variant Classification Sherloc (09022015). Collection method: clinical testing. Allele origin: germline.
Comment: For these reasons, this variant has been classified as Pathogenic. This variant has not been reported in the literature in individuals with GNPTAB-related conditions. This variant is not present in population databases (ExAC no frequency). This sequence change creates a premature translational stop signal (p.Asn500Thrfs*47) in the GNPTAB gene. It is expected to result in an absent or disrupted protein product. Loss-of-function variants in GNPTAB are known to be pathogenic (PMID: 19617216, 25107912).

Literature cited by the submitters: PubMed 19617216; PubMed 25107912.

NM_024312.5(GNPTAB):c.1499del (p.Asn500fs)

Gene: GNPTAB (N-acetylglucosamine-1-phosphate transferase subunits alpha and beta; minus strand). Cytogenetic location: 12q23.2.
Variant type: Deletion.
Coding change: c.1499del on transcript NM_024312.5 (MANE Select); coding-DNA position 1499, one base deleted (A; older notation c.1499delA).
Protein change: p.Asn500fs; shifts the reading frame from asparagine 500.
Molecular consequence: frameshift variant.
Genome position (GRCh38, 1-based): chr12:101,766,204, T deleted on the plus strand (A on the coding strand, the reverse complement: GNPTAB is on the minus strand); the first of 3 consecutive T bases (chr12:101,766,204-101,766,206); deleting any one gives the same sequence. VCF-style (leftmost placement, unchanged base first): chr12-101766203-GT-G. GRCh37 (hg19) VCF-style: chr12-102159981-GT-G.
Other names: short protein forms N500fs.
Identifiers: ClinVar variation 1451810 (VCV001451810.6), dbSNP rs2137119157, ClinGen allele CA2573147956.
Genomic context (GRCh38, chr12:101,766,203, plus strand): 5'-GTCACAGAACTTATCAGCGAGCCAGGAATTCGCACATCCCTGATTACAGTAAGAGACACT[GT>G]TTATTCCTCCACCAAACTGCCAGGGCTGTCCAACTCCAATACTCCCAGTACCTCCACCTC-3'